The following is an entry in ClinVar:

NM_005902.4(SMAD3):c.152T>G (p.Leu51Arg)

Gene: SMAD3 (SMAD family member 3; plus strand). Cytogenetic location: 15q22.33.
Variant type: single nucleotide variant.
Coding change: c.152T>G on transcript NM_005902.4 (MANE Select); coding-DNA position 152, T replaced by G.
Protein change: p.Leu51Arg; replaces leucine 51 with arginine.
Molecular consequence: missense variant.
Genome position (GRCh38, 1-based): chr15:67,066,306, T>G. VCF-style: chr15-67066306-T-G. GRCh37 (hg19) VCF-style: chr15-67358644-T-G.
Other names: short protein forms L51R.
Identifiers: ClinVar variation 654754 (VCV000654754.1), dbSNP rs1595882150, ClinGen allele CA393203009.
Genomic context (GRCh38, chr15:67,066,306, plus strand): 5'-GCGAGAAGGCGGTCAAGAGCCTGGTCAAGAAACTCAAGAAGACGGGGCAGCTGGACGAGC[T>G]GGAGAAGGCCATCACCACGCAGAACGTCAACACCAAGTGCATCACCATCCCCAGGTGGGG-3'
Protein context (NP_005893.1, residues 41-61): KLKKTGQLDE[Leu51Arg]EKAITTQNVN

ClinVar aggregate classification (germline): Uncertain significance (1 of 4 stars; one submission).

Conditions:
Familial thoracic aortic aneurysm and aortic dissection (TAAD). Also called: Thoracic aortic aneurysms and dissections. Identifiers: Orphanet 91387, MedGen C4707243, MONDO:0019625.

Submission:

Labcorp Genetics (formerly Invitae), Labcorp
Classification: Uncertain significance for Familial thoracic aortic aneurysm and aortic dissection. Last evaluated: 2018-12-04. Review status: criteria provided, single submitter. Criteria: Invitae Variant Classification Sherloc (09022015). Collection method: clinical testing. Allele origin: germline.
Comment: This sequence change replaces leucine with arginine at codon 51 of the SMAD3 protein (p.Leu51Arg). The leucine residue is moderately conserved and there is a moderate physicochemical difference between leucine and arginine. This variant is not present in population databases (ExAC no frequency). This variant has been observed in an individual affected with thoracic aortic aneurysm and dissection (Invitae). Algorithms developed to predict the effect of missense changes on protein structure and function are either unavailable or do not agree on the potential impact of this missense change (SIFT: "Deleterious"; PolyPhen-2: "Probably Damaging"; Align-GVGD: "Class C0"). In summary, the available evidence is currently insufficient to determine the role of this variant in disease. Therefore, it has been classified as a Variant of Uncertain Significance.